The following is an entry in ClinVar:

NC_000010.10:g.(?_104386922)_(104392580_?)del

Gene: SUFU (SUFU negative regulator of hedgehog signaling; plus strand). Cytogenetic location: 10q24.32.
Variant type: Deletion.
Identifiers: ClinVar variation 1015843 (VCV001015843.8).

ClinVar aggregate classification (germline): Pathogenic (1 of 4 stars; one submission).

Conditions:
Medulloblastoma (MDB). Also called: MEDULLOBLASTOMA PREDISPOSITION SYNDROME; Medulloblastoma, somatic. Identifiers: Orphanet 616, MedGen C0025149, MeSH D008527, MONDO:0007959, OMIM 155255, HP:0002885.
Gorlin syndrome. Also called: Nevoid Basal Cell Carcinoma Syndrome; Basal cell nevus syndrome. Identifiers: Orphanet 377, MedGen C0004779, MONDO:0007187.

Submission:

Labcorp Genetics (formerly Invitae), Labcorp
Classification: Pathogenic for Gorlin syndrome; Medulloblastoma. Last evaluated: 2021-10-27. Review status: criteria provided, single submitter. Criteria: Invitae Variant Classification Sherloc (09022015). Collection method: clinical testing. Allele origin: germline.
Comment: This variant is a gross deletion of the genomic region encompassing exon(s) 11-12 of the SUFU gene, which includes the termination codon. This deletion extends beyond the assayed region for this gene and therefore may encompass additional genes. While this deletion is not anticipated to lead to nonsense mediated decay, it is expected to alter mRNA translation or result in a truncated protein product. A similar copy number variant has been observed in individual(s) with basal cell nevus syndrome (BCNS) (Invitae). This variant disrupts a region of the SUFU protein in which other variant(s) (Deletion of exon 11) have been determined to be pathogenic (Invitae). This suggests that this is a clinically significant region of the protein, and that variants that disrupt it are likely to be disease-causing. For these reasons, this variant has been classified as Pathogenic.